The following is an entry in ClinVar:

ClinVar aggregate classification (germline): Uncertain significance (1 of 4 stars; one submission).

Conditions:
Marfan syndrome (MFS). Also called: FBN1-Related Marfan Syndrome; MARFAN SYNDROME, TYPE I; Marfan syndrome type 1; Marfan's syndrome; Marfan syndrome, classic. Identifiers: Orphanet 284963, Orphanet 558, MedGen C0024796, MONDO:0007947, OMIM 154700.
Familial thoracic aortic aneurysm and aortic dissection (TAAD). Also called: Thoracic aortic aneurysms and dissections. Identifiers: Orphanet 91387, MedGen C4707243, MONDO:0019625.

Submission:

Labcorp Genetics (formerly Invitae), Labcorp
Classification: Uncertain significance for Marfan syndrome; Familial thoracic aortic aneurysm and aortic dissection. Last evaluated: 2026-02-01. Review status: criteria provided, single submitter. Criteria: Invitae Variant Classification Sherloc (09022015). Collection method: clinical testing. Allele origin: germline.
Comment: This sequence change replaces valine, which is neutral and non-polar, with alanine, which is neutral and non-polar, at codon 415 of the FBN1 protein (p.Val415Ala). This variant is not present in population databases (gnomAD no frequency). This variant has not been reported in the literature in individuals affected with FBN1-related conditions. Invitae Evidence Modeling of protein sequence and biophysical properties (such as structural, functional, and spatial information, amino acid conservation, physicochemical variation, residue mobility, and thermodynamic stability) indicates that this missense variant is not expected to disrupt FBN1 protein function with a negative predictive value of 95%. In summary, the available evidence is currently insufficient to determine the role of this variant in disease. Therefore, it has been classified as a Variant of Uncertain Significance.

NM_000138.5(FBN1):c.1244T>C (p.Val415Ala)

Gene: FBN1 (fibrillin 1; minus strand). Cytogenetic location: 15q21.1.
Variant type: single nucleotide variant.
Coding change: c.1244T>C on transcript NM_000138.5 (MANE Select); coding-DNA position 1244, T replaced by C.
Protein change: p.Val415Ala; replaces valine 415 with alanine.
Molecular consequence: missense variant.
Genome position (GRCh38, 1-based): chr15:48,516,266, A>G on the plus strand (T>C on the coding strand, the complement: FBN1 is on the minus strand). VCF-style: chr15-48516266-A-G. GRCh37 (hg19) VCF-style: chr15-48808463-A-G.
Other names: c.1244T>C, p.Val415Ala (NM_001406716.1); short protein forms V415A.
Identifiers: ClinVar variation 4789673 (VCV004789673.1).
Genomic context (GRCh38, chr15:48,516,266, plus strand): 5'-AGATATTCCACTGGTGGTCGAGGGACCGGAATTTGAGGTCCAGGAGGAAAGCCAGGAGGA[A>G]CAGGGAGAACTGGAGGAATGGGGCCAAGGGGTGGGGGAGGATATTCTGGTCTCCCAGGAA-3'
Protein context (NP_000129.3, residues 405-425): PLGPIPPVLP[Val415Ala]PPGFPPGPQI